The following is an entry in ClinVar:

ClinVar aggregate classification (germline): Uncertain significance (0 of 4 stars; one submission).

Conditions:
Bardet-Biedl syndrome 2 (BBS2). Identifiers: Orphanet 110, MedGen C2936863, MONDO:0014432, OMIM 615981.

Submission:

Genetics laboratory, Institute of Kidney Diseases & Research Centre Dr. H.L. Trivedi Institute Of Transplantation Sciences
Classification: Uncertain significance for Bardet-Biedl syndrome 2. Last evaluated: 2024-07-16. Review status: no assertion criteria provided. Collection method: clinical testing. Allele origin: maternal. Inheritance: Autosomal recessive inheritance. Affected: yes. Observed: 1 variant allele, 1 compound heterozygote.
Comment: A compound heterozygous missense variant and c.683T>A in BBS2 (chr16:56540066; Depth:210x) gene was detected. The variant (p.Val228Asp) replaces valine with aspartic acid at 228th amino acid position. The variant has not been observed in the 1000 genomes and topmed database but has a minor allele frequency in the gnomAD database. The variant has not been reported in clinvar database. In silico predictions are deleterious by SIFT, PolyPhen2, CADD, REVEL and MVP. Based on the aforementioned evidence, the variant is classified as a variant of uncertain significance according to the ACMG-AMP classification system.

NM_031885.5(BBS2):c.683T>A (p.Val228Asp)

Gene: BBS2 (Bardet-Biedl syndrome 2; minus strand). Cytogenetic location: 16q13.
Variant type: single nucleotide variant.
Coding change: c.683T>A on transcript NM_031885.5 (MANE Select); coding-DNA position 683, T replaced by A.
Protein change: p.Val228Asp; replaces valine 228 with aspartic acid.
Molecular consequence: missense variant. On other transcripts: non-coding transcript variant (5).
Genome position (GRCh38, 1-based): chr16:56,506,154, A>T on the plus strand (T>A on the coding strand, the complement: BBS2 is on the minus strand). VCF-style: chr16-56506154-A-T. GRCh37 (hg19) VCF-style: chr16-56540066-A-T.
Other names: c.683T>A, p.Val228Asp (NM_001377456.1); short protein forms V228D.
Identifiers: ClinVar variation 3362781 (VCV003362781.2).
Genomic context (GRCh38, chr16:56,506,154, plus strand): 5'-AATATCAAAGGCTAAATTATACTAACTTTAATTCTCCAGTATCGGGATGTTTTGTCATAA[A>T]CTCCAACTGTGCCATTGGAAAGGGCATAACCAAATCGACTGCCATACATGGGACAAAGAG-3'
Protein context (NP_114091.4, residues 218-238): GYALSNGTVG[Val228Asp]YDKTSRYWRI